The following is an entry in ClinVar:

NM_001148.6(ANK2):c.11817_11828delinsGTG (p.Ile3940_Val3943delinsCys)

Gene: ANK2 (ankyrin 2; plus strand). Cytogenetic location: 4q26.
Variant type: Indel.
Coding change: c.11817_11828delinsGTG on transcript NM_001148.6 (MANE Select); coding-DNA positions 11817 to 11828, TATAAAGCGTGT replaced by GTG.
Protein change: p.Ile3940_Val3943delinsCys.
Molecular consequence: inframe indel. On other transcripts: intron variant (9).
Genome position (GRCh38, 1-based): chr4:113,373,407-113,373,418, TATAAAGCGTGT replaced by GTG. VCF-style: chr4-113373407-TATAAAGCGTGT-GTG. GRCh37 (hg19) VCF-style: chr4-114294563-TATAAAGCGTGT-GTG.
Other names: c.5535_5546delinsGTG, p.Ile1846_Val1849delinsCys (NM_001127493.3); c.11817_11828delTATAAAGCGTGTinsGTG, p.Ile3940_Val3943delinsCys (NM_001148.4); c.5574_5585delinsGTG, p.Ile1859_Val1862delinsCys (NM_001354225.2); c.5556_5567delinsGTG, p.Ile1853_Val1856delinsCys (NM_001354228.2); c.5541_5552delinsGTG, p.Ile1848_Val1851delinsCys (NM_001354230.2); c.5697_5708delinsGTG, p.Ile1900_Val1903delinsCys (NM_001354231.2); c.5691_5702delinsGTG, p.Ile1898_Val1901delinsCys (NM_001354232.2); c.5652_5663delinsGTG, p.Ile1885_Val1888delinsCys (NM_001354235.2); and 51 more.
Identifiers: ClinVar variation 3381292 (VCV003381292.1).

ClinVar aggregate classification (germline): Uncertain significance (1 of 4 stars; one submission).

Submission:

GeneDx
Classification: Uncertain significance. Last evaluated: 2024-05-21. Review status: criteria provided, single submitter. Criteria: GeneDx Variant Classification Process June 2021. Collection method: clinical testing. Allele origin: germline. Affected: yes.
Comment: Not observed at significant frequency in large population cohorts (gnomAD); In-frame deletion of 4 amino acids and insertion of 1 amino acid in a non-repeat region; In silico analysis supports a deleterious effect on protein structure/function; Has not been previously published as pathogenic or benign to our knowledge